The following is an entry in ClinVar:

ClinVar aggregate classification (germline): Pathogenic/Likely pathogenic. Review status: criteria provided, multiple submitters, no conflicts (2 of 4 stars). 12 submissions from 12 submitters: Pathogenic (8); Likely pathogenic (3). 1 of the submissions does not count toward it. Last evaluated 2026-07-02.

Conditions:
FLNC-related disorder. Also called: FLNC-related disorders; FLNC-related condition.
Hypertrophic cardiomyopathy 26. Also called: Cardiomyopathy, familial hypertrophic, 26. Identifiers: Orphanet 75249, MedGen C4310749, MONDO:0014883, OMIM 617047.
Primary familial dilated cardiomyopathy (FDC). Also called: Familial dilated cardiomyopathy; Hypokinetic dilated cardiomyopathy, familial. Identifiers: Orphanet 217607, MedGen C0340427, MONDO:0016333.
Primary dilated cardiomyopathy (DCM). Also called: Dilated Cardiomyopathy. Identifiers: Orphanet 217604, MedGen C0007193, MeSH D002311, MONDO:0005021, HP:0001644. Inheritance: Various modes of inheritance.
Distal myopathy with posterior leg and anterior hand involvement. Also called: WILLIAMS DISTAL MYOPATHY. Identifiers: Orphanet 63273, MedGen C3279722, MONDO:0013550, OMIM 614065.
Myofibrillar myopathy 5. Also called: Filaminopathy (type); FILAMINOPATHY, AUTOSOMAL DOMINANT. Identifiers: Orphanet 171445, MedGen C1836050, MONDO:0012289, OMIM 609524.
Cardiovascular phenotype. Identifiers: MedGen CN230736.

Allele frequency attached by ClinVar (database versions not stated): TOPMed 0.00001.

Submissions (12):

Molecular Diagnostic Laboratory for Inherited Cardiovascular Disease, Montreal Heart Institute
Classification: Pathogenic for Cardiovascular phenotype. Last evaluated: 2026-07-02. Review status: criteria provided, single submitter. Criteria: ACMG Guidelines, 2015. Collection method: clinical testing. Allele origin: germline. Affected: yes.

Labcorp Genetics (formerly Invitae), Labcorp
Classification: Pathogenic for Distal myopathy with posterior leg and anterior hand involvement; Myofibrillar myopathy 5; Hypertrophic cardiomyopathy 26. Last evaluated: 2025-12-23. Review status: criteria provided, single submitter. Criteria: Invitae Variant Classification Sherloc (09022015). Collection method: clinical testing. Allele origin: germline.
Comment: This sequence change creates a premature translational stop signal (p.Arg1341*) in the FLNC gene. It is expected to result in an absent or disrupted protein product. Loss-of-function variants in FLNC are known to be pathogenic (PMID: 27908349). This variant is not present in population databases (gnomAD no frequency). This variant has not been reported in the literature in individuals affected with FLNC-related conditions. ClinVar contains an entry for this variant (Variation ID: 620373). For these reasons, this variant has been classified as Pathogenic.

Victorian Clinical Genetics Services, Murdoch Childrens Research Institute
Classification: Pathogenic for Primary dilated cardiomyopathy. Last evaluated: 2025-01-22. Review status: criteria provided, single submitter. Criteria: ACMG Guidelines, 2015. Collection method: clinical testing. Allele origin: germline. Affected: yes.
Comment: This variant is classified as Pathogenic. Evidence in support of pathogenic classification: Variant is predicted to cause nonsense-mediated decay (NMD) and loss of protein (premature termination codon is located at least 54 nucleotides upstream of the final exon-exon junction); Variant is absent from gnomAD (v2, v3 and v4); This variant has strong previous evidence of pathogenicity in unrelated individuals. This variant has been classified as likely pathogenic/pathogenic by clinical laboratories in ClinVar; Other NMD-predicted variant(s) comparable to the one identified in this case have very strong previous evidence for pathogenicity (DECIPHER, ClinVar). Additional information: This variant is heterozygous; This gene is associated with autosomal dominant disease. Variants located throughout the gene that are predicted to result in nonsense-mediated decay (NMD) are enriched in dilated cardiomyopathy, whereas missense variants in the ROD2 domain are enriched in familial hypertrophic cardiomyopathy 26 and familial restrictive cardiomyopathy 5 (MIM#617047). Additionally, myofibrillar myopathy 5 (MIM#609524) is known to result from either missense variants in the ROD2 domain or truncating variants in the Ig-like domain 24, while missense variants in the actin-binding domain and NMD-predicted variants located in the Ig-like domain 15 and have been reported for distal myopathy 4 (MIM#614065) (PMID: 32112656); Loss of function and gain of function are known mechanisms of disease in this gene. Loss of function is the established mechanism of disease for variants in dilated cardiomyopathy (PMID: 32112656), familial hypertrophic cardiomyopathy 26 (MIM#617047), familial restrictive cardiomyopathy 5 (MIM#617047), familial arrhythmogenic right ventricular dysplasia (MIM#617047), and myofibrillar myopathy 5 (MIM#609524). In distal myopathy 4 (MIM#614065), NMD-predicted variants cause a loss of function, however missense variants have been shown to result in a toxic gain of function (PMID: 32112656); Inheritance information for this variant is not currently available in this individual.

Blueprint Genetics
Classification: Pathogenic for FLNC-related disorders. Last evaluated: 2024-11-13. Review status: criteria provided, single submitter. Criteria: ACMG Guidelines, 2015. Collection method: clinical testing. Allele origin: germline. Affected: yes. Observed: 5 variant alleles.

3billion
Classification: Pathogenic for Hypertrophic cardiomyopathy 26. Last evaluated: 2023-12-29. Review status: criteria provided, single submitter. Criteria: ACMG Guidelines, 2015. Collection method: clinical testing. Allele origin: germline. Affected: yes.
Comment: The variant is not observed in the gnomAD v2.1.1 dataset. Predicted Consequence/Location: Stop-gained (nonsense): predicted to result in a loss or disruption of normal protein function through nonsense-mediated decay (NMD) or protein truncation. Multiple pathogenic variants are reported downstream of the variant. The variant has been reported at least twice as pathogenic with clinical assertions and evidence for the classification (ClinVar ID: VCV000620373 /PMID: 32746448). Therefore, this variant is classified as Pathogenic according to the recommendation of ACMG/AMP guideline.

Ambry Genetics
Classification: Pathogenic for Cardiovascular phenotype. Last evaluated: 2023-12-05. Review status: criteria provided, single submitter. Criteria: Ambry Variant Classification Scheme 2023. Collection method: clinical testing. Allele origin: germline.
Comment: The p.R1341* pathogenic mutation (also known as c.4021C>T), located in coding exon 23 of the FLNC gene, results from a C to T substitution at nucleotide position 4021. This changes the amino acid from an arginine to a stop codon within coding exon 23. This alteration is expected to result in loss of function by premature protein truncation or nonsense-mediated mRNA decay. This variant is considered to be rare based on population cohorts in the Genome Aggregation Database (gnomAD). Based on the supporting evidence, this variant is expected to be causative of dilated cardiomyopathy; however, its clinical significance for hypertrophic/restrictive cardiomyopathy and/or skeletal myopathy is unclear.

New York Genome Center
Classification: Likely pathogenic for Hypertrophic cardiomyopathy 26. Last evaluated: 2022-09-26. Review status: criteria provided, single submitter. Criteria: NYGC Assertion Criteria 2020. Collection method: clinical testing. Allele origin: germline. Observed: 2 heterozygotes. Clinical features observed: Cardiomyopathy (HP:0001638), Atrial fibrillation (HP:0005110).
Comment: The c.4021C>T p.(Arg1341Ter) variant in the FLNC gene has previously been reported in an infant with dilated cardiomyopathy [PMID:31527676] and it has been deposited in ClinVar [ClinVar ID: 620373] as Likely Pathogenic/Pathogenic. The c.4021C>T variant is absent from population databases (gnomAD v2.1.1 and v3.1.2, TOPMed Freeze 8), suggesting it is not a common benign variant in the populations represented in those databases. The c.4021C>T variant in FLNC is located in exon 23 of this 48-exon gene, predicted to incorporate a premature termination codon (p.(Arg1341Ter)), and is expected to result in loss-of-function via nonsense mediated decay. Multiple loss-of-function variants that are downstream to the c.4021C>T variant have been reported in the literature [PMID:32112656] and ClinVar [ClinVar ID: 620418, 620286, others] in individuals with FLNC-related conditions. Based on available evidence this c.4021C>Tp.(Arg1341Ter) variant identified in FLNC is classified as Likely Pathogenic.

Illumina Laboratory Services, Illumina
Classification: Pathogenic for FLNC-related disorders. Last evaluated: 2022-01-13. Review status: criteria provided, single submitter. Criteria: ICSLVariantClassificationCriteria RUGD 01 April 2020. Collection method: clinical testing. Allele origin: unknown.
Comment: The FLNC c.4021C>T p.(Arg1341Ter) nonsense variant results in the substitution of arginine at amino acid position 1341 with a stop codon. This variant disrupts exon 23 of 48 on the canonical transcript and loss of normal protein function through either protein truncation or nonsense-mediated mRNA decay is expected. This variant has been reported in a heterozygous state in one individual with dilated cardiomyopathy (Burstein et al. 2020). Additionally, several disease-causing variants located downstream of the p.Arg1341Ter variant are reported in the peer-reviewed literature and ClinVar database (Ortiz-Genga et al. 2016; Landrum et al. 2018). This variant is not found in version 2.1.1 or version 3.1.2 of the Genome Aggregation Database. Based on the available evidence, the c.4021C>T p.(Arg1341Ter) variant is classified as pathogenic for FLNC-related disorders.

Center for Human Genetics, University of Leuven
Classification: Pathogenic for Primary familial dilated cardiomyopathy. Last evaluated: 2021-12-24. Review status: criteria provided, single submitter. Criteria: ACMG Guidelines, 2015. Collection method: clinical testing. Allele origin: inherited. Affected: yes. Observed: 2 variant alleles.

GeneDx
Classification: Likely pathogenic. Last evaluated: 2018-09-17. Review status: criteria provided, single submitter. Criteria: GeneDx Variant Classification (06012015). Collection method: clinical testing. Allele origin: germline. Affected: yes.
Comment: The R1341X variant in the FLNC gene has not been reported previously as a pathogenic variant nor as a benign variant, to our knowledge. This variant is predicted to cause loss of normal protein function either through protein truncation or nonsense-mediated mRNA decay. The R1341X variant is not observed in large population cohorts (Lek et al., 2016). We interpret R1341X as a likely pathogenic variant.

Juno Genomics, Hangzhou Juno Genomics, Inc
Classification: Likely pathogenic for Hypertrophic cardiomyopathy 26. Review status: criteria provided, single submitter. Criteria: ACMG Guidelines, 2015. Collection method: clinical testing. Allele origin: germline. Affected: yes.
Comment: Absent from controls (or at extremely low frequency if recessive) in Genome Aggregation Database, Exome Sequencing Project, 1000 Genomes Project, or Exome Aggregation Consortium.;Null variant in a gene where loss of function (LOF) is a known mechanism of disease.

deCODE genetics, Amgen
Classification: Likely pathogenic for Hypertrophic cardiomyopathy 26. Last evaluated: 2023-07-21. Review status: no assertion criteria provided. Collection method: research. Allele origin: germline. Affected: yes. Observed: 1 variant allele. Not counted in ClinVar's aggregate classification.
Comment: The variant NM_001458.5:c.4021C>T (chr7:128846357) in FLNC was detected in 1 heterozygote out of 58K WGS Icelanders (MAF= 0,001%). This variant has been reported in ClinVar previously as pathogenic. Based on ACMG criteria (PVS1, PM2) this variant classifies as likely pathogenic.

Literature cited by the submitters: PubMed 27908349 (cited by Labcorp Genetics (formerly Invitae), Labcorp); PubMed 32112656 (cited by Victorian Clinical Genetics Services, Murdoch Childrens Research Institute); PubMed 32746448 (cited by 3billion).

NM_001458.5(FLNC):c.4021C>T (p.Arg1341Ter)

Gene: FLNC (filamin C; plus strand). Cytogenetic location: 7q32.1.
Variant type: single nucleotide variant.
Coding change: c.4021C>T on transcript NM_001458.5 (MANE Select); coding-DNA position 4021, C replaced by T.
Protein change: p.Arg1341Ter; replaces arginine 1341 with a stop codon.
Molecular consequence: nonsense.
Genome position (GRCh38, 1-based): chr7:128,846,357, C>T. VCF-style: chr7-128846357-C-T. GRCh37 (hg19) VCF-style: chr7-128486411-C-T.
Other names: c.4021C>T, p.Arg1341Ter (NM_001127487.2); short protein forms R1341*.
Identifiers: ClinVar variation 620373 (VCV000620373.61), dbSNP rs1562998062, ClinGen allele CA369198958.